The following is an entry in ClinVar:

NM_001009944.3(PKD1):c.11269+4A>G

Genes: PKD1 (polycystin 1, transient receptor potential channel interacting; minus strand), PKD1-AS1 (PKD1 antisense RNA 1; plus strand). Cytogenetic location: 16p13.3.
Variant type: single nucleotide variant.
Coding change: c.11269+4A>G on transcript NM_001009944.3 (MANE Select); 4 bases into the intron after coding-DNA position 11269, A replaced by G.
Molecular consequence: intron variant.
Genome position (GRCh38, 1-based): chr16:2,092,476, T>C on the plus strand (A>G on the coding strand, the complement: PKD1 is on the minus strand). VCF-style: chr16-2092476-T-C. GRCh37 (hg19) VCF-style: chr16-2142477-T-C.
Other names: c.11266+4A>G (NM_000296.4).
Identifiers: ClinVar variation 4992172 (VCV004992172.1).

ClinVar aggregate classification (germline): Uncertain significance (1 of 4 stars; one submission).

Conditions:
PKD1-related disorder. Also called: PKD1-related condition.

Submission:

PreventionGenetics, part of Exact Sciences
Classification: Uncertain significance for PKD1-related condition. Last evaluated: 2026-02-26. Review status: criteria provided, single submitter. Criteria: ACMG Guidelines, 2015. Collection method: clinical testing. Allele origin: germline.
Comment: The PKD1 c.11269+4A>G variant is predicted to interfere with splicing. This variant is predicted to alter splicing based on available splicing prediction programs (SpliceAI, Jaganathan et al. 2019. PubMed ID: 30661751). However, the use of computer prediction programs is not equivalent to functional evidence. To our knowledge, this variant has not been reported in the literature or in a large population database (gnomAD), indicating this variant is rare. At this time, the clinical significance of this variant is uncertain due to the absence of conclusive functional and genetic evidence.